The following is an entry in ClinVar:

ClinVar aggregate classification (germline): Uncertain significance (1 of 4 stars; one submission).

Submission:

GeneDx
Classification: Uncertain significance. Last evaluated: 2026-02-26. Review status: criteria provided, single submitter. Criteria: GeneDx Variant Classification Process June 2021. Collection method: clinical testing. Allele origin: germline.
Comment: Not observed at significant frequency in large population cohorts (gnomAD); Missense variants in this gene are a common cause of disease and they are underrepresented in the general population; In silico analysis supports that this missense variant has a deleterious effect on protein structure/function; Has not been previously published as pathogenic or benign to our knowledge

NM_006306.4(SMC1A):c.184C>T (p.Arg62Trp)

Gene: SMC1A (structural maintenance of chromosomes 1A; minus strand). Cytogenetic location: Xp11.22.
Variant type: single nucleotide variant.
Coding change: c.184C>T on transcript NM_006306.4 (MANE Select); coding-DNA position 184, C replaced by T.
Protein change: p.Arg62Trp; replaces arginine 62 with tryptophan.
Molecular consequence: missense variant.
Genome position (GRCh38, 1-based): chrX:53,415,095, G>A on the plus strand (C>T on the coding strand, the complement: SMC1A is on the minus strand). VCF-style: chrX-53415095-G-A. GRCh37 (hg19) VCF-style: chrX-53442044-G-A.
Other names: c.118C>T, p.Arg40Trp (NM_001281463.1); short protein forms R40W, R62W.
Identifiers: ClinVar variation 5009888 (VCV005009888.1).
Genomic context (GRCh38, chrX:53,415,095, plus strand): 5'-TGCTGACAAAGGCCCGGTTGGCAGCTGGCTTGCCCACAGGAGCTCCATGGATCAGGTCCC[G>A]CAGGGTCTTTACCCGCAGGTTGCTGGTTTTTTCACCTAGCACAAAGCTGATGGCATCCAT-3'
Protein context (NP_006297.2, residues 52-72): KTSNLRVKTL[Arg62Trp]DLIHGAPVGK